The following is an entry in ClinVar:

NM_001567.4(INPPL1):c.2215C>T (p.Leu739Phe)

Gene: INPPL1 (inositol polyphosphate phosphatase like 1; plus strand). Cytogenetic location: 11q13.4.
Variant type: single nucleotide variant.
Coding change: c.2215C>T on transcript NM_001567.4 (MANE Select); coding-DNA position 2215, C replaced by T.
Protein change: p.Leu739Phe; replaces leucine 739 with phenylalanine.
Molecular consequence: missense variant.
Genome position (GRCh38, 1-based): chr11:72,234,283, C>T. VCF-style: chr11-72234283-C-T. GRCh37 (hg19) VCF-style: chr11-71945327-C-T.
Other names: short protein forms L739F.
Identifiers: ClinVar variation 3667352 (VCV003667352.2).

ClinVar aggregate classification (germline): Uncertain significance (1 of 4 stars; one submission).

gnomAD v4.1: 5 of 1,610,976 alleles (0.00031%); highest among the groups gnomAD compares: Non-Finnish European, 0.00042%; no homozygotes.

Submission:

Labcorp Genetics (formerly Invitae), Labcorp
Classification: Uncertain significance. Last evaluated: 2025-11-18. Review status: criteria provided, single submitter. Criteria: Invitae Variant Classification Sherloc (09022015). Collection method: clinical testing. Allele origin: germline.
Comment: This sequence change replaces leucine, which is neutral and non-polar, with phenylalanine, which is neutral and non-polar, at codon 739 of the INPPL1 protein (p.Leu739Phe). This variant is present in population databases (rs373473641, gnomAD 0.003%). This variant has not been reported in the literature in individuals affected with INPPL1-related conditions. ClinVar contains an entry for this variant (Variation ID: 3667352). An algorithm developed to predict the effect of missense changes on protein structure and function (PolyPhen-2) suggests that this variant is likely to be disruptive. In summary, the available evidence is currently insufficient to determine the role of this variant in disease. Therefore, it has been classified as a Variant of Uncertain Significance.